The following is an entry in ClinVar:

ClinVar aggregate classification (germline): Uncertain significance (1 of 4 stars; one submission).

Conditions:
Spinocerebellar ataxia type 5 (SCA5). Identifiers: Orphanet 98766, MedGen C0752123, MONDO:0010848, OMIM 600224.

Allele frequency attached by ClinVar (database versions not stated): gnomAD exomes below 0.00001; gnomAD 0.00002.
gnomAD v4.1: 5 of 1,613,828 alleles (0.00031%); highest among the groups gnomAD compares: Admixed American, 0.0017%; no homozygotes.

Submission:

Illumina Laboratory Services, Illumina
Classification: Uncertain significance for Spinocerebellar ataxia type 5. Last evaluated: 2023-05-11. Review status: criteria provided, single submitter. Criteria: ICSLVariantClassificationCriteria RUGD 01 April 2020. Collection method: clinical testing. Allele origin: unknown.
Comment: The SPTBN2 c.1081G>A (p.Glu361Lys) missense variant has not, to our knowledge, been reported in the peer-reviewed literature. This variant is reported in the Genome Aggregation Database in three alleles at a frequency of 0.00002 in the Total population (version 3.1.2). Multiple lines of computational evidence suggest the variant may impact the gene or gene product. Based on the available evidence, the c.1081G>A (p.Glu361Lys) variant is classified as a variant of uncertain significance for spinocerebellar ataxia.

NM_006946.4(SPTBN2):c.1081G>A (p.Glu361Lys)

Gene: SPTBN2 (spectrin beta, non-erythrocytic 2; minus strand). Cytogenetic location: 11q13.2.
Variant type: single nucleotide variant.
Coding change: c.1081G>A on transcript NM_006946.4 (MANE Select); coding-DNA position 1081, G replaced by A.
Protein change: p.Glu361Lys; replaces glutamic acid 361 with lysine.
Molecular consequence: missense variant.
Genome position (GRCh38, 1-based): chr11:66,709,012, C>T on the plus strand (G>A on the coding strand, the complement: SPTBN2 is on the minus strand). VCF-style: chr11-66709012-C-T. GRCh37 (hg19) VCF-style: chr11-66476483-C-T.
Other names: c.1102G>A, p.Glu368Lys (NM_001411025.1); short protein forms E361K, E368K.
Identifiers: ClinVar variation 2580228 (VCV002580228.1), dbSNP rs1420795249, ClinGen allele CA381481902.
Genomic context (GRCh38, chr11:66,709,012, plus strand): 5'-GGTTGTTGGCCCGAAGCTTGCTCTGGATGGTGAAGAGCAGCACTTCCAAGTTCCCTTTCT[C>T]GGTAAACCTGAGGCAGGAGGCCGGGTTGGGGTCAGAATTAAAGCCCACGAGGGTCACAAG-3'
Protein context (NP_008877.2, residues 351-371): RTVEKPPKFT[Glu361Lys]KGNLEVLLFT